The following is an entry in ClinVar:

ClinVar aggregate classification (germline): Uncertain significance. Review status: criteria provided, multiple submitters, no conflicts (2 of 4 stars). 2 submissions from 2 submitters: Uncertain significance (2). Last evaluated 2026-01-16.

Allele frequency attached by ClinVar (database versions not stated): TOPMed 0.00001; gnomAD 0.00002; ESP Exome Variant Server 0.00008.

Submissions (2):

Labcorp Genetics (formerly Invitae), Labcorp
Classification: Uncertain significance. Last evaluated: 2026-01-16. Review status: criteria provided, single submitter. Criteria: Invitae Variant Classification Sherloc (09022015). Collection method: clinical testing. Allele origin: germline.
Comment: This sequence change falls in intron 3 of the GUCA1A gene. It does not directly change the encoded amino acid sequence of the GUCA1A protein. It affects a nucleotide within the consensus splice site. This variant is present in population databases (rs369964888, gnomAD 0.002%). This variant has not been reported in the literature in individuals affected with GUCA1A-related conditions. ClinVar contains an entry for this variant (Variation ID: 968360). Variants that disrupt the consensus splice site are a relatively common cause of aberrant splicing (PMID: 17576681, 9536098). Algorithms developed to predict the effect of sequence changes on RNA splicing suggest that this variant is not likely to affect RNA splicing. In summary, the available evidence is currently insufficient to determine the role of this variant in disease. Therefore, it has been classified as a Variant of Uncertain Significance.

Blueprint Genetics
Classification: Uncertain significance. Last evaluated: 2022-09-06. Review status: criteria provided, single submitter. Criteria: ACMG Guidelines, 2015. Collection method: clinical testing. Allele origin: germline.

Literature cited by the submitters: PubMed 17576681 (cited by Labcorp Genetics (formerly Invitae), Labcorp); PubMed 9536098 (cited by Labcorp Genetics (formerly Invitae), Labcorp).

NM_001384910.1(GUCA1A):c.201+5G>A

Genes: GUCA1A (guanylate cyclase activator 1A; plus strand), GUCA1ANB-GUCA1A (GUCA1ANB-GUCA1A readthrough; plus strand). Cytogenetic location: 6p21.1.
Variant type: single nucleotide variant.
Coding change: c.201+5G>A on transcript NM_001384910.1 (MANE Select); 5 bases into the intron after coding-DNA position 201, G replaced by A.
Molecular consequence: intron variant.
Genome position (GRCh38, 1-based): chr6:42,173,819, G>A. VCF-style: chr6-42173819-G-A. GRCh37 (hg19) VCF-style: chr6-42141557-G-A.
Other names: c.201+5G>A (NM_001319061.2, NM_000409.5, NM_001319062.2).
Identifiers: ClinVar variation 968360 (VCV000968360.7), dbSNP rs369964888, ClinGen allele CA138135156.